The following is an entry in ClinVar:

NM_198578.4(LRRK2):c.721G>A (p.Val241Ile)

Gene: LRRK2 (leucine rich repeat kinase 2; plus strand). Cytogenetic location: 12q12.
Variant type: single nucleotide variant.
Coding change: c.721G>A on transcript NM_198578.4 (MANE Select); coding-DNA position 721, G replaced by A.
Protein change: p.Val241Ile; replaces valine 241 with isoleucine.
Molecular consequence: missense variant.
Genome position (GRCh38, 1-based): chr12:40,243,564, G>A. VCF-style: chr12-40243564-G-A. GRCh37 (hg19) VCF-style: chr12-40637366-G-A.
Other names: short protein forms V241I.
Identifiers: ClinVar variation 1757766 (VCV001757766.2), dbSNP rs770209729, ClinGen allele CA6513176.

ClinVar aggregate classification (germline): Uncertain significance (1 of 4 stars; one submission).

Conditions:
Inborn genetic diseases. Identifiers: MedGen C0950123, MeSH D030342.

Allele frequency attached by ClinVar (database versions not stated): TOPMed below 0.00001; gnomAD exomes 0.00001; ExAC 0.00002.

Submission:

Ambry Genetics
Classification: Uncertain significance for Inborn genetic diseases. Last evaluated: 2023-11-19. Review status: criteria provided, single submitter. Criteria: Ambry Variant Classification Scheme 2023. Collection method: clinical testing. Allele origin: germline.
Comment: The p.V241I variant (also known as c.721G>A), located in coding exon 7 of the LRRK2 gene, results from a G to A substitution at nucleotide position 721. The valine at codon 241 is replaced by isoleucine, an amino acid with highly similar properties. This amino acid position is conserved. In addition, this alteration is predicted to be tolerated by in silico analysis. Since supporting evidence is limited at this time, the clinical significance of this alteration remains unclear.